The following is an entry in ClinVar:

ClinVar aggregate classification (germline): Uncertain significance. Review status: criteria provided, multiple submitters, no conflicts (2 of 4 stars). 2 submissions from 2 submitters: Uncertain significance (2). Last evaluated 2023-03-20.

Conditions:
Inborn genetic diseases. Identifiers: MedGen C0950123, MeSH D030342.

Allele frequency attached by ClinVar (database versions not stated): gnomAD exomes below 0.00001; ExAC 0.00002; gnomAD 0.00003; TOPMed 0.00007.
gnomAD v4.1: 10 of 1,614,068 alleles (0.00062%); highest among the groups gnomAD compares: African/African-American, 0.013%; no homozygotes.

Submissions (2):

Ambry Genetics
Classification: Uncertain significance for Inborn genetic diseases. Last evaluated: 2023-03-20. Review status: criteria provided, single submitter. Criteria: Ambry Variant Classification Scheme 2023. Collection method: clinical testing. Allele origin: germline.

Mayo Clinic Laboratories, Mayo Clinic
Classification: Uncertain significance. Last evaluated: 2022-09-13. Review status: criteria provided, single submitter. Criteria: ACMG Guidelines, 2015. Collection method: clinical testing. Allele origin: germline. Observed: 1 variant allele.
Comment: PM2

NM_000392.5(ABCC2):c.1034T>G (p.Leu345Trp)

Gene: ABCC2 (ATP binding cassette subfamily C member 2; plus strand). Cytogenetic location: 10q24.2.
Variant type: single nucleotide variant.
Coding change: c.1034T>G on transcript NM_000392.5 (MANE Select); coding-DNA position 1034, T replaced by G.
Protein change: p.Leu345Trp; replaces leucine 345 with tryptophan.
Molecular consequence: missense variant.
Genome position (GRCh38, 1-based): chr10:99,800,388, T>G. VCF-style: chr10-99800388-T-G. GRCh37 (hg19) VCF-style: chr10-101560145-T-G.
Other names: p.Leu345Trp; short protein forms L345W.
Identifiers: ClinVar variation 2515394 (VCV002515394.3), dbSNP rs751209236, ClinGen allele CA5643068.